The following is an entry in ClinVar:

ClinVar aggregate classification (germline): Uncertain significance. Review status: criteria provided, multiple submitters, no conflicts (2 of 4 stars). 2 submissions from 2 submitters: Uncertain significance (2). Last evaluated 2024-12-23.

Conditions:
Retinal dystrophy. Also called: Inherited retinal dystrophy. Identifiers: Orphanet 71862, MedGen C0854723, MeSH D058499, MONDO:0019118, HP:0000556.

Submissions (2):

Labcorp Genetics (formerly Invitae), Labcorp
Classification: Uncertain significance. Last evaluated: 2024-12-23. Review status: criteria provided, single submitter. Criteria: Invitae Variant Classification Sherloc (09022015). Collection method: clinical testing. Allele origin: germline.
Comment: This sequence change replaces aspartic acid, which is acidic and polar, with asparagine, which is neutral and polar, at codon 268 of the CA4 protein (p.Asp268Asn). This variant is not present in population databases (gnomAD no frequency). This variant has not been reported in the literature in individuals affected with CA4-related conditions. ClinVar contains an entry for this variant (Variation ID: 3028478). Invitae Evidence Modeling of protein sequence and biophysical properties (such as structural, functional, and spatial information, amino acid conservation, physicochemical variation, residue mobility, and thermodynamic stability) indicates that this missense variant is not expected to disrupt CA4 protein function with a negative predictive value of 80%. In summary, the available evidence is currently insufficient to determine the role of this variant in disease. Therefore, it has been classified as a Variant of Uncertain Significance.

Dept Of Ophthalmology, Nagoya University
Classification: Uncertain significance for Retinal dystrophy. Last evaluated: 2023-10-01. Review status: criteria provided, single submitter. Criteria: Submitter's publication. Collection method: research. Allele origin: germline. Affected: yes.

NM_000717.5(CA4):c.802G>A (p.Asp268Asn)

Gene: CA4 (carbonic anhydrase 4; plus strand). Cytogenetic location: 17q23.1.
Variant type: single nucleotide variant.
Coding change: c.802G>A on transcript NM_000717.5 (MANE Select); coding-DNA position 802, G replaced by A.
Protein change: p.Asp268Asn; replaces aspartic acid 268 with asparagine.
Molecular consequence: missense variant. On other transcripts: non-coding transcript variant (1).
Genome position (GRCh38, 1-based): chr17:60,159,287, G>A. VCF-style: chr17-60159287-G-A. GRCh37 (hg19) VCF-style: chr17-58236648-G-A.
Other names: short protein forms D268N.
Identifiers: ClinVar variation 3028478 (VCV003028478.3), dbSNP rs2544527679, ClinGen allele CA400460604.